The following is an entry in ClinVar:

ClinVar aggregate classification (germline): Uncertain significance. Review status: criteria provided, multiple submitters, no conflicts (2 of 4 stars). 2 submissions from 2 submitters: Uncertain significance (2). Last evaluated 2022-08-03.

Conditions:
Hereditary cancer-predisposing syndrome. Also called: Neoplastic Syndromes, Hereditary; Tumor predisposition; Hereditary neoplastic syndrome; Hereditary Cancer Syndrome. Identifiers: Orphanet 140162, MedGen C0027672, MeSH D009386, MONDO:0015356.
Rhabdoid tumor predisposition syndrome 2 (RTPS2). Identifiers: Orphanet 231108, Orphanet 69077, MedGen C2750074, MONDO:0013224, OMIM 613325.

Submissions (2):

Labcorp Genetics (formerly Invitae), Labcorp
Classification: Uncertain significance for Rhabdoid tumor predisposition syndrome 2. Last evaluated: 2022-08-03. Review status: criteria provided, single submitter. Criteria: Invitae Variant Classification Sherloc (09022015). Collection method: clinical testing. Allele origin: germline.
Comment: This variant is not present in population databases (gnomAD no frequency). This sequence change replaces arginine, which is basic and polar, with glycine, which is neutral and non-polar, at codon 1463 of the SMARCA4 protein (p.Arg1463Gly). This variant has not been reported in the literature in individuals affected with SMARCA4-related conditions. In summary, the available evidence is currently insufficient to determine the role of this variant in disease. Therefore, it has been classified as a Variant of Uncertain Significance. Algorithms developed to predict the effect of missense changes on protein structure and function are either unavailable or do not agree on the potential impact of this missense change (SIFT: "Deleterious"; PolyPhen-2: "Benign"; Align-GVGD: "Class C65"). ClinVar contains an entry for this variant (Variation ID: 824850).

Ambry Genetics
Classification: Uncertain significance for Hereditary cancer-predisposing syndrome. Last evaluated: 2019-10-07. Review status: criteria provided, single submitter. Criteria: Ambry Variant Classification Scheme 2023. Collection method: clinical testing. Allele origin: germline.
Comment: The p.R1463G variant (also known as c.4387C>G), located in coding exon 30 of the SMARCA4 gene, results from a C to G substitution at nucleotide position 4387. The arginine at codon 1463 is replaced by glycine, an amino acid with dissimilar properties. This amino acid position is highly conserved in available vertebrate species. In addition, the in silico prediction for this alteration is inconclusive. Since supporting evidence is limited at this time, the clinical significance of this alteration remains unclear.

NM_003072.5(SMARCA4):c.4291C>G (p.Arg1431Gly)

Gene: SMARCA4 (SWI/SNF related BAF chromatin remodeling complex subunit ATPase 4; plus strand). Cytogenetic location: 19p13.2.
Variant type: single nucleotide variant.
Coding change: c.4291C>G on transcript NM_003072.5 (MANE Select); coding-DNA position 4291, C replaced by G.
Protein change: p.Arg1431Gly; replaces arginine 1431 with glycine.
Molecular consequence: missense variant. On other transcripts: non-coding transcript variant (1).
Genome position (GRCh38, 1-based): chr19:11,041,427, C>G. VCF-style: chr19-11041427-C-G. GRCh37 (hg19) VCF-style: chr19-11152103-C-G.
Other names: c.4291C>G, p.Arg1431Gly (NM_001128844.3); c.4201C>G, p.Arg1401Gly (NM_001128845.2, NM_001128846.2); c.4192C>G, p.Arg1398Gly (NM_001128847.4, NM_001128848.2, NM_001374457.1); c.4387C>G, p.Arg1463Gly (NM_001128849.3); short protein forms R1401G, R1431G, R1398G, R1463G.
Identifiers: ClinVar variation 824850 (VCV000824850.9), dbSNP rs587778681, ClinGen allele CA404073631.